The following is an entry in ClinVar:

NM_006885.4(ZFHX3):c.8707A>G (p.Ser2903Gly)

Genes: ZFHX3-AS1 (ZFHX3 antisense RNA 1; plus strand), ZFHX3 (zinc finger homeobox 3; minus strand). Cytogenetic location: 16q22.2.
Variant type: single nucleotide variant.
Coding change: c.8707A>G on transcript NM_006885.4 (MANE Select); coding-DNA position 8707, A replaced by G.
Protein change: p.Ser2903Gly; replaces serine 2903 with glycine.
Molecular consequence: missense variant.
Genome position (GRCh38, 1-based): chr16:72,793,975, T>C on the plus strand (A>G on the coding strand, the complement: ZFHX3 is on the minus strand). VCF-style: chr16-72793975-T-C. GRCh37 (hg19) VCF-style: chr16-72827874-T-C.
Other names: NC_000016.9:g.72827874T>C; c.5965A>G, p.Ser1989Gly (NM_001164766.2); short protein forms S2903G, S1989G.
Identifiers: ClinVar variation 225012 (VCV000225012.33), dbSNP rs142939235, ClinGen allele CA358101.

ClinVar aggregate classification (germline): Likely benign. Review status: criteria provided, multiple submitters, no conflicts (2 of 4 stars). 4 submissions from 4 submitters: Likely benign (3). 1 of the submissions does not count toward it. Last evaluated 2026-08-01.

Conditions:
ZFHX3-related disorder. Also called: ZFHX3-related condition.

Allele frequency attached by ClinVar (database versions not stated): 1000 Genomes Project 0.00080; 1000 Genomes Project 30x 0.00094; gnomAD exomes 0.00188 and 0.00264; TOPMed 0.00194; gnomAD 0.00209 and 0.00216; ExAC 0.00229; ESP Exome Variant Server 0.00269.
gnomAD v4.1: 4,135 of 1,614,240 alleles (0.26%); highest among the groups gnomAD compares: Non-Finnish European, 0.32%; 9 homozygotes.

Submissions (7):

CeGaT Center for Human Genetics Tuebingen
Classification: Likely benign. Last evaluated: 2026-08-01. Review status: criteria provided, single submitter. Criteria: CeGaT Center For Human Genetics Tuebingen Variant Classification Criteria Version 2. Collection method: clinical testing. Allele origin: germline. Affected: yes. Observed: 6 variant alleles.
Comment: ZFHX3: BS2

Blueprint Genetics
Classification: Likely benign. Last evaluated: 2024-11-25. Review status: criteria provided, single submitter. Criteria: ACMG Guidelines, 2015. Collection method: clinical testing. Allele origin: germline.

Ambry Genetics
Classification: Likely benign. Last evaluated: 2014-08-19. Review status: criteria provided, single submitter. Criteria: Ambry Variant Classification Scheme 2023. Collection method: clinical testing. Allele origin: germline.

PreventionGenetics, part of Exact Sciences
Classification: Likely benign for ZFHX3-related condition. Last evaluated: 2022-06-22. Review status: no assertion criteria provided. Collection method: clinical testing. Allele origin: germline. Not counted in ClinVar's aggregate classification.
Comment: This variant is classified as likely benign based on ACMG/AMP sequence variant interpretation guidelines (Richards et al. 2015 PMID: 25741868, with internal and published modifications).

Dr. Peter K. Rogan Lab, Western University
No classification provided (evidence only). Condition: Malignant tumor of urinary bladder. Review status: no classification provided. Collection method: in vitro. Allele origin: not applicable. Functional consequence: retained intron. Not counted in ClinVar's aggregate classification.

Dr. Peter K. Rogan Lab, Western University
No classification provided (evidence only). Condition: Malignant tumor of urinary bladder. Review status: no classification provided. Collection method: in vitro. Allele origin: not applicable. Functional consequence: retained intron. Not counted in ClinVar's aggregate classification.

Dr. Peter K. Rogan Lab, Western University
No classification provided (evidence only). Condition: Malignant tumor of urinary bladder. Review status: no classification provided. Collection method: in vitro. Allele origin: not applicable. Functional consequence: retained intron. Not counted in ClinVar's aggregate classification.